The following is an entry in ClinVar:

NM_000138.5(FBN1):c.7087T>G (p.Cys2363Gly)

Gene: FBN1 (fibrillin 1; minus strand). Cytogenetic location: 15q21.1.
Variant type: single nucleotide variant.
Coding change: c.7087T>G on transcript NM_000138.5 (MANE Select); coding-DNA position 7087, T replaced by G.
Protein change: p.Cys2363Gly; replaces cysteine 2363 with glycine.
Molecular consequence: missense variant.
Genome position (GRCh38, 1-based): chr15:48,427,684, A>C on the plus strand (T>G on the coding strand, the complement: FBN1 is on the minus strand). VCF-style: chr15-48427684-A-C. GRCh37 (hg19) VCF-style: chr15-48719881-A-C.
Other names: short protein forms C2363G.
Identifiers: ClinVar variation 690432 (VCV000690432.4), dbSNP rs1597517935, ClinGen allele CA392329926.

ClinVar aggregate classification (germline): Likely pathogenic. Review status: criteria provided, multiple submitters, no conflicts (2 of 4 stars). 2 submissions from 2 submitters: Likely pathogenic (2). Last evaluated 2023-12-27.

Conditions:
Marfan syndrome (MFS). Also called: MARFAN SYNDROME, TYPE I; FBN1-Related Marfan Syndrome; Marfan syndrome type 1; Marfan's syndrome; Marfan syndrome, classic. Identifiers: Orphanet 284963, Orphanet 558, MedGen C0024796, MONDO:0007947, OMIM 154700.

Submissions (2):

Institute of Human Genetics, University of Leipzig Medical Center
Classification: Likely pathogenic for Marfan syndrome. Last evaluated: 2023-12-27. Review status: criteria provided, single submitter. Criteria: ACMG Guidelines, 2015. Collection method: clinical testing. Allele origin: unknown. Inheritance: Autosomal dominant inheritance. Affected: yes.
Comment: Criteria applied: PM5,PS4_SUP,PM2_SUP,PP2,PP3

Petrovsky National Research Centre of Surgery, The Federal Agency for Scientific Organizations
Classification: Likely pathogenic for Marfan syndrome. Last evaluated: 2019-08-01. Review status: criteria provided, single submitter. Criteria: ACMG Guidelines, 2015. Collection method: clinical testing. Allele origin: unknown. Inheritance: Autosomal dominant inheritance. Affected: yes. Observed: 1 heterozygote.
Comment: The c.7087T>G (p.C2363G) variant is absent from large population studies. C2363 is connected with disulfide bond with C2339 in TGFBP domain. Cleavage of the disulfide bonds affects protein structure stabilization. Different amino acid substitution c.7088G>A (p.C2363Y) was reported in the Database of Pathogenic variants (DPV:8451, DPVS:8819.1) with a Clinical Significance Citation (PMID:29848614, 12938084). Various computational tools like NetGene2, Provean, PolyPhen2 and MutationTaster show a damaging effect of p.C2363G variant. Without functional study, we evaluate p.C2363G as Likely Pathogenic.